The following is an entry in ClinVar:

NM_001715.3(BLK):c.211G>A (p.Ala71Thr)

Gene: BLK (BLK proto-oncogene, Src family tyrosine kinase). Cytogenetic location: 8p23.1.
Variant type: single nucleotide variant.
Coding change: c.211G>A on transcript NM_001715.3 (MANE Select); coding-DNA position 211, G replaced by A.
Protein change: p.Ala71Thr; replaces alanine 71 with threonine.
Molecular consequence: missense variant. On other transcripts: 5 prime UTR variant (1).
Genome position (GRCh38, 1-based): chr8:11,548,067, G>A. VCF-style: chr8-11548067-G-A. GRCh37 (hg19) VCF-style: chr8-11405576-G-A.
Other names: c.-3G>A (NM_001330465.2); short protein forms A71T.
Identifiers: ClinVar variation 12319 (VCV000012319.63), dbSNP rs55758736, ClinGen allele CA122129.

ClinVar aggregate classification (germline): Benign/Likely benign. Review status: criteria provided, multiple submitters, no conflicts (2 of 4 stars). 18 submissions from 18 submitters: Benign (10); Likely benign (5). 3 of the submissions do not count toward it. Last evaluated 2026-07-01.

Conditions:
Monogenic diabetes. Identifiers: Orphanet 183625, MedGen C3888631, MONDO:0015967.
Maturity-onset diabetes of the young type 11. Identifiers: Orphanet 552, MedGen C3150618, MONDO:0013242, OMIM 613375.

Allele frequency attached by ClinVar (database versions not stated): ExAC 0.01171; 1000 Genomes Project 30x 0.01296; TOPMed 0.01558; gnomAD 0.01485 and 0.01437; ESP Exome Variant Server 0.01530; gnomAD exomes 0.01099 and 0.01156; 1000 Genomes Project 0.01238.
gnomAD v4.1: 18,440 of 1,613,932 alleles (1.1%); highest among the groups gnomAD compares: Middle Eastern, 4.9%; 156 homozygotes.

Submissions (18):

CeGaT Center for Human Genetics Tuebingen
Classification: Benign. Last evaluated: 2026-07-01. Review status: criteria provided, single submitter. Criteria: CeGaT Center For Human Genetics Tuebingen Variant Classification Criteria Version 2. Collection method: clinical testing. Allele origin: germline. Affected: yes. Observed: 13 variant alleles.
Comment: BLK: BP4, BS1, BS2

Labcorp Genetics (formerly Invitae), Labcorp
Classification: Benign. Last evaluated: 2026-02-02. Review status: criteria provided, single submitter. Criteria: Invitae Variant Classification Sherloc (09022015). Collection method: clinical testing. Allele origin: germline.

Genomic Medicine Center of Excellence, King Faisal Specialist Hospital and Research Centre
Classification: Likely benign. Last evaluated: 2025-07-30. Review status: criteria provided, single submitter. Criteria: ACMG Guidelines, 2015. Collection method: clinical testing. Allele origin: germline.

Blueprint Genetics
Classification: Likely benign. Last evaluated: 2024-11-27. Review status: criteria provided, single submitter. Criteria: ACMG Guidelines, 2015. Collection method: clinical testing. Allele origin: germline.

Molecular Genetics, Royal Melbourne Hospital
Classification: Benign for Maturity-onset diabetes of the young type 11. Last evaluated: 2024-03-01. Review status: criteria provided, single submitter. Criteria: ACMG Guidelines, 2015. Collection method: clinical testing. Allele origin: germline. Inheritance: Autosomal dominant inheritance.

ARUP Laboratories, Molecular Genetics and Genomics, ARUP Laboratories
Classification: Benign for Maturity-onset diabetes of the young type 11. Last evaluated: 2023-11-29. Review status: criteria provided, single submitter. Criteria: ARUP Molecular Germline Variant Investigation Process 2024. Collection method: clinical testing. Allele origin: germline.

Department of Pathology and Laboratory Medicine, Sinai Health System
Classification: Benign for monogenic diabetes. Last evaluated: 2023-04-06. Review status: criteria provided, single submitter. Criteria: ACMG Guidelines, 2015. Collection method: research. Allele origin: germline.

Fulgent Genetics
Classification: Likely benign for Maturity-onset diabetes of the young type 11. Last evaluated: 2021-10-05. Review status: criteria provided, single submitter. Criteria: ACMG Guidelines, 2015. Collection method: clinical testing. Allele origin: unknown.

GeneDx
Classification: Benign. Last evaluated: 2018-09-25. Review status: criteria provided, single submitter. Criteria: GeneDx Variant Classification Process June 2021. Collection method: clinical testing. Allele origin: germline. Affected: yes.
Comment: This variant is associated with the following publications: (PMID: 22696686, 20981092, 26821283, 23261300, 22995991, 25333069, 19667185, 23224494, 27884173, 31101814, 32028929)

Illumina Laboratory Services, Illumina
Classification: Benign for Maturity-onset diabetes of the young type 11. Last evaluated: 2018-03-06. Review status: criteria provided, single submitter. Criteria: ICSL Variant Classification Criteria 13 December 2019. Collection method: clinical testing. Allele origin: germline.
Comment: This variant was observed in the ICSL laboratory as part of a predisposition screen in an ostensibly healthy population. It had not been previously curated by ICSL or reported in the Human Gene Mutation Database (HGMD: prior to June 1st, 2018), and was therefore a candidate for classification through an automated scoring system. Utilizing variant allele frequency, disease prevalence and penetrance estimates, and inheritance mode, an automated score was calculated to assess if this variant is too frequent to cause the disease. Based on the score and internal cut-off values, a variant classified as benign is not then subjected to further curation. The score for this variant resulted in a classification of benign for this disease.

Personalized Diabetes Medicine Program, University of Maryland School of Medicine
Classification: Benign for Monogenic diabetes. Last evaluated: 2017-03-03. Review status: criteria provided, single submitter. Criteria: ACMG Guidelines, 2015. Collection method: research. Allele origin: unknown. Observed: 10 variant alleles, 10 heterozygotes. Study: Personalized Diabetes Medicine Program.
Comment: ACMG Criteria:BP4 (6 predictors), PP3 (4 predictors), BS1 (2.5% in African 1.6% in European in 1000g), BS2 (about equal cases and controls in an online resource), PS3 (functional studies show effect)

Laboratory for Molecular Medicine, Mass General Brigham Personalized Medicine
Classification: Benign. Last evaluated: 2016-03-28. Review status: criteria provided, single submitter. Criteria: LMM Criteria. Collection method: clinical testing. Allele origin: germline.
Comment: Variant identified in a genome or exome case(s) and assessed due to predicted null impact of the variant or pathogenic assertions in the literature or databases. Disclaimer: This variant has not undergone full assessment. The following are preliminary notes: Frequency

Genetic Services Laboratory, University of Chicago
Classification: Likely benign for AllHighlyPenetrant. Last evaluated: 2013-07-23. Review status: criteria provided, single submitter. Criteria: ACMG Guidelines, 2007. Collection method: clinical testing. Allele origin: germline. Inheritance: Autosomal dominant inheritance.

Breakthrough Genomics
Classification: Likely benign. Review status: criteria provided, single submitter. Criteria: ACMG Guidelines, 2015. Collection method: not provided. Allele origin: germline. Inheritance: Autosomal dominant inheritance. Affected: yes.

PreventionGenetics, part of Exact Sciences
Classification: Benign. Review status: criteria provided, single submitter. Criteria: ACMG Guidelines, 2015. Collection method: clinical testing. Allele origin: germline.

OMIM
Classification: Pathogenic for MATURITY-ONSET DIABETES OF THE YOUNG, TYPE 11. Last evaluated: 2009-08-25. Review status: no assertion criteria provided. Collection method: literature only. Allele origin: germline. Not counted in ClinVar's aggregate classification.

Genome Diagnostics Laboratory, University Medical Center Utrecht
Classification: Benign. Review status: no assertion criteria provided. Collection method: clinical testing. Allele origin: germline. Affected: yes. Study: VKGL Data-share Consensus. Not counted in ClinVar's aggregate classification.

Laboratory of Diagnostic Genome Analysis, Leiden University Medical Center (LUMC)
Classification: Benign. Review status: no assertion criteria provided. Collection method: clinical testing. Allele origin: germline. Affected: yes. Study: VKGL Data-share Consensus. Not counted in ClinVar's aggregate classification.

Literature cited by the submitters: PubMed 19667185 (cited by OMIM).